The following is an entry in ClinVar:

ClinVar aggregate classification (germline): Uncertain significance. Review status: criteria provided, multiple submitters, no conflicts (2 of 4 stars). 5 submissions from 5 submitters: Uncertain significance (5). Last evaluated 2025-12-21.

Conditions:
Familial cancer of breast. Also called: BREAST CANCER, FAMILIAL; hereditary breast carcinoma; Hereditary breast cancer. Identifiers: Orphanet 227535, MedGen C0346153, MONDO:0016419, OMIM 114480. Disease mechanism: loss of function.
Hereditary cancer-predisposing syndrome. Also called: Tumor predisposition; Hereditary neoplastic syndrome; Hereditary Cancer Syndrome; Neoplastic Syndromes, Hereditary. Identifiers: Orphanet 140162, MedGen C0027672, MeSH D009386, MONDO:0015356.

Allele frequency attached by ClinVar (database versions not stated): TOPMed 0.00003; gnomAD 0.00004 and 0.00003; gnomAD exomes 0.00001; ExAC 0.00002; ESP Exome Variant Server 0.00008.
gnomAD v4.1: 6 of 1,573,954 alleles (0.00038%); highest among the groups gnomAD compares: African/African-American, 0.0055%; no homozygotes.

Submissions (5):

Ambry Genetics
Classification: Uncertain significance for Hereditary cancer-predisposing syndrome. Last evaluated: 2025-12-21. Review status: criteria provided, single submitter. Criteria: Ambry Variant Classification Scheme 2023. Collection method: clinical testing. Allele origin: germline.
Comment: The p.P246Q variant (also known as c.737C>A), located in coding exon 4 of the BARD1 gene, results from a C to A substitution at nucleotide position 737. The proline at codon 246 is replaced by glutamine, an amino acid with similar properties. This amino acid position is well conserved in available vertebrate species. In addition, this alteration is predicted to be tolerated by in silico analysis. Since supporting evidence is limited at this time, the clinical significance of this alteration remains unclear.

Labcorp Genetics (formerly Invitae), Labcorp
Classification: Uncertain significance for Familial cancer of breast. Last evaluated: 2025-05-05. Review status: criteria provided, single submitter. Criteria: Invitae Variant Classification Sherloc (09022015). Collection method: clinical testing. Allele origin: germline.
Comment: This sequence change replaces proline, which is neutral and non-polar, with glutamine, which is neutral and polar, at codon 246 of the BARD1 protein (p.Pro246Gln). The frequency data for this variant in the population databases is considered unreliable, as metrics indicate poor data quality at this position in the gnomAD database. This variant has not been reported in the literature in individuals affected with BARD1-related conditions. ClinVar contains an entry for this variant (Variation ID: 237843). An algorithm developed to predict the effect of missense changes on protein structure and function (PolyPhen-2) suggests that this variant is likely to be disruptive. In summary, the available evidence is currently insufficient to determine the role of this variant in disease. Therefore, it has been classified as a Variant of Uncertain Significance.

Quest Diagnostics Nichols Institute San Juan Capistrano
Classification: Uncertain significance. Last evaluated: 2024-11-01. Review status: criteria provided, single submitter. Criteria: Quest Diagnostics criteria. Collection method: clinical testing. Allele origin: unknown.
Comment: The BARD1 c.737C>A (p.Pro246Gln) variant has not been reported in individuals with BARD1-related conditions in the published literature. The frequency of this variant in the general population, 0.00016 (4/24264 chromosomes (Genome Aggregation Database)), is uninformative in the assessment of its pathogenicity. Analysis of this variant using bioinformatics tools for the prediction of the effect of amino acid changes on protein structure and function yielded conflicting predictions that this variant is benign or damaging. Based on the available information, we are unable to determine the clinical significance of this variant.

Baylor Genetics
Classification: Uncertain significance for Familial cancer of breast. Last evaluated: 2023-12-26. Review status: criteria provided, single submitter. Criteria: ACMG Guidelines, 2015. Collection method: clinical testing. Allele origin: unknown.

Color Diagnostics, LLC DBA Color Health
Classification: Uncertain significance for Hereditary cancer-predisposing syndrome. Last evaluated: 2021-04-14. Review status: criteria provided, single submitter. Criteria: ACMG Guidelines, 2015. Collection method: clinical testing. Allele origin: germline.
Comment: This missense variant replaces proline with glutamine at codon 246 of the BARD1 protein. Computational prediction suggests that this variant may not impact protein structure and function (internally defined REVEL score threshold <= 0.5, PMID: 27666373). To our knowledge, functional studies have not been reported for this variant. This variant has not been reported in individuals affected with hereditary cancer in the literature. This variant has been identified in 4/246236 chromosomes in the general population by the Genome Aggregation Database (gnomAD). The available evidence is insufficient to determine the role of this variant in disease conclusively. Therefore, this variant is classified as a Variant of Uncertain Significance.

NM_000465.4(BARD1):c.737C>A (p.Pro246Gln)

Gene: BARD1 (BRCA1 associated RING domain 1; minus strand). Cytogenetic location: 2q35.
Variant type: single nucleotide variant.
Coding change: c.737C>A on transcript NM_000465.4 (MANE Select); coding-DNA position 737, C replaced by A.
Protein change: p.Pro246Gln; replaces proline 246 with glutamine.
Molecular consequence: missense variant. On other transcripts: non-coding transcript variant (2), intron variant (3).
Genome position (GRCh38, 1-based): chr2:214,781,137, G>T on the plus strand (C>A on the coding strand, the complement: BARD1 is on the minus strand). VCF-style: chr2-214781137-G-T. GRCh37 (hg19) VCF-style: chr2-215645861-G-T.
Other names: c.680C>A, p.Pro227Gln (NM_001282543.2); c.158+28275C>A (NM_001282548.2); c.215+15924C>A (NM_001282545.2); c.364+11160C>A (NM_001282549.2); short protein forms P246Q, P227Q.
Identifiers: ClinVar variation 237843 (VCV000237843.24), dbSNP rs151325889, ClinGen allele CA2090389.